The following is an entry in ClinVar:

ClinVar aggregate classification (germline): Benign/Likely benign. Review status: criteria provided, multiple submitters, no conflicts (2 of 4 stars). 4 submissions from 4 submitters: Benign (1); Likely benign (3). Last evaluated 2025-05-14.

Conditions:
Hypertrophic cardiomyopathy 14. Identifiers: MedGen C2750467, MONDO:0013197, OMIM 613251.

Allele frequency attached by ClinVar (database versions not stated): gnomAD 0.00006 and 0.00007; TOPMed 0.00009; ExAC 0.00010.
gnomAD v4.1: 187 of 1,613,178 alleles (0.012%); highest among the groups gnomAD compares: Middle Eastern, 0.033%; 1 homozygote.

Submissions (4):

Labcorp Genetics (formerly Invitae), Labcorp
Classification: Likely benign for Hypertrophic cardiomyopathy 14. Last evaluated: 2025-05-14. Review status: criteria provided, single submitter. Criteria: Invitae Variant Classification Sherloc (09022015). Collection method: clinical testing. Allele origin: germline.

Blueprint Genetics
Classification: Likely benign. Last evaluated: 2024-03-25. Review status: criteria provided, single submitter. Criteria: ACMG Guidelines, 2015. Collection method: clinical testing. Allele origin: germline.

Women's Health and Genetics/Laboratory Corporation of America, LabCorp
Classification: Benign. Last evaluated: 2021-07-27. Review status: criteria provided, single submitter. Criteria: LabCorp Variant Classification Summary - May 2015. Collection method: clinical testing. Allele origin: germline.
Comment: Variant summary: MYH6 c.4525+13T>C alters a non-conserved nucleotide located close to a canonical splice site and therefore could affect mRNA splicing, leading to a significantly altered protein sequence. 4/4 computational tools predict no significant impact on normal splicing. However, these predictions have yet to be confirmed by functional studies. The variant allele was found at a frequency of 0.00015 in 251452 control chromosomes (gnomAD). The observed variant frequency is approximately 6 fold of the estimated maximal expected allele frequency for a pathogenic variant in MYH6 causing Cardiomyopathy phenotype (2.5e-05), strongly suggesting that the variant is benign. To our knowledge, no occurrence of c.4525+13T>C in individuals affected with Cardiomyopathy and no experimental evidence demonstrating its impact on protein function have been reported. No clinical diagnostic laboratories have submitted clinical-significance assessments for this variant to ClinVar after 2014. Based on the evidence outlined above, the variant was classified as benign.

Laboratory for Molecular Medicine, Mass General Brigham Personalized Medicine
Classification: Likely benign. Last evaluated: 2012-06-11. Review status: criteria provided, single submitter. Criteria: LMM Criteria. Collection method: clinical testing. Allele origin: germline. Observed: 2 variant alleles.
Comment: 4525+13T>C in intron 31 of MYH6: This variant is classified as likely benign bec ause it is not located within the splice consensus sequence, is not predicted to impact splicing by computational tools, and it has been identified in 0.02% (6/ 30782) of South Asian chromosomes in the Genome Aggregation Database (gnomAD; dbSNP rs397516770). ACMG/AMP Criteria applied: B S1, BP4.

NM_002471.4(MYH6):c.4525+13T>C

Gene: MYH6 (myosin heavy chain 6; minus strand). Cytogenetic location: 14q11.2.
Variant type: single nucleotide variant.
Coding change: c.4525+13T>C on transcript NM_002471.4 (MANE Select); 13 bases into the intron after coding-DNA position 4525, T replaced by C.
Molecular consequence: intron variant.
Genome position (GRCh38, 1-based): chr14:23,387,745, A>G on the plus strand (T>C on the coding strand, the complement: MYH6 is on the minus strand). VCF-style: chr14-23387745-A-G. GRCh37 (hg19) VCF-style: chr14-23856954-A-G.
Identifiers: ClinVar variation 44514 (VCV000044514.10), dbSNP rs397516770, ClinGen allele CA134411.
Genomic context (GRCh38, chr14:23,387,745, plus strand): 5'-CTATGTTCCCCCTGCCCCTGCATGGCCCTCCCTCCCACCAACTCATCTCTGGCCTCTTGG[A>G]CCCCCAGCACACCCTGAAGGTTCTTGTTCTCCCGCTTGAAGGTCTCTAGGTGCTCCAGGG-3'